The following is an entry in ClinVar:

ClinVar aggregate classification (germline): Uncertain significance (1 of 4 stars; one submission).

Allele frequency attached by ClinVar (database versions not stated): gnomAD exomes below 0.00001.
gnomAD v4.1: 1 of 1,598,272 alleles (0.000063%); highest among the groups gnomAD compares: Middle Eastern, 0.017%; no homozygotes.

Submission:

GeneDx
Classification: Uncertain significance. Last evaluated: 2022-06-13. Review status: criteria provided, single submitter. Criteria: GeneDx Variant Classification Process June 2021. Collection method: clinical testing. Allele origin: germline. Affected: yes.
Comment: Not observed at significant frequency in large population cohorts (gnomAD); In silico analysis supports that this variant does not alter splicing; Has not been previously published as pathogenic or benign to our knowledge

NM_005219.5(DIAPH1):c.621-12T>G

Gene: DIAPH1 (diaphanous related formin 1; minus strand). Cytogenetic location: 5q31.3.
Variant type: single nucleotide variant.
Coding change: c.621-12T>G on transcript NM_005219.5 (MANE Select); 12 bases into the intron before coding-DNA position 621, T replaced by G.
Molecular consequence: intron variant.
Genome position (GRCh38, 1-based): chr5:141,582,387, A>C on the plus strand (T>G on the coding strand, the complement: DIAPH1 is on the minus strand). VCF-style: chr5-141582387-A-C. GRCh37 (hg19) VCF-style: chr5-140961954-A-C.
Other names: c.594-12T>G (NM_001079812.3); c.621-12T>G (NM_001314007.2).
Identifiers: ClinVar variation 1804527 (VCV001804527.1), dbSNP rs2513769560, ClinGen allele CA2580072990.
Genomic context (GRCh38, chr5:141,582,387, plus strand): 5'-AGCTTTCAAGCAGCGAATGATCTCATGCTTGTTCCGGCTATCGTAACTCCTGTATATAGA[A>C]GACATAATCAGTGAGGTCCCTTTATTCTCTACCCCTTTCCCATTTTTAATCTTGCAAACA-3'